The following is an entry in ClinVar:

ClinVar aggregate classification (germline): Uncertain significance. Review status: criteria provided, multiple submitters, no conflicts (2 of 4 stars). 6 submissions from 5 submitters: Uncertain significance (6). Last evaluated 2025-11-25.

Conditions:
Cardiomyopathy (CMYO). Also called: Cardiomyopathies. Identifiers: Orphanet 167848, MedGen C0878544, MONDO:0004994, HP:0001638. Inheritance: Various modes of inheritance.
Dilated cardiomyopathy 1W (CMD1W). Identifiers: Orphanet 154, MedGen C1969639, MONDO:0012667, OMIM 611407.
Hypertrophic cardiomyopathy 15. Identifiers: MedGen C2750459, MONDO:0013200, OMIM 613255.

Allele frequency attached by ClinVar (database versions not stated): gnomAD 0.00001; TOPMed 0.00009; 1000 Genomes Project 30x 0.00016; 1000 Genomes Project 0.00020.
gnomAD v4.1: 30 of 1,613,126 alleles (0.0019%); highest among the groups gnomAD compares: East Asian, 0.06%; no homozygotes.

Submissions (6):

Labcorp Genetics (formerly Invitae), Labcorp
Classification: Uncertain significance for Dilated cardiomyopathy 1W. Last evaluated: 2025-11-25. Review status: criteria provided, single submitter. Criteria: Invitae Variant Classification Sherloc (09022015). Collection method: clinical testing. Allele origin: germline.
Comment: This sequence change replaces methionine, which is neutral and non-polar, with leucine, which is neutral and non-polar, at codon 209 of the VCL protein (p.Met209Leu). This variant is present in population databases (rs144683137, gnomAD 0.04%). This missense change has been observed in individual(s) with dilated cardiomyopathy (PMID: 26458567, 35284542). ClinVar contains an entry for this variant (Variation ID: 488174). An algorithm developed to predict the effect of missense changes on protein structure and function (PolyPhen-2) suggests that this variant is likely to be tolerated. In summary, the available evidence is currently insufficient to determine the role of this variant in disease. Therefore, it has been classified as a Variant of Uncertain Significance.

Blueprint Genetics
Classification: Uncertain significance. Last evaluated: 2024-03-21. Review status: criteria provided, single submitter. Criteria: ACMG Guidelines, 2015. Collection method: clinical testing. Allele origin: germline.

Women's Health and Genetics/Laboratory Corporation of America, LabCorp
Classification: Uncertain significance. Last evaluated: 2023-05-16. Review status: criteria provided, single submitter. Criteria: LabCorp Variant Classification Summary - May 2015. Collection method: clinical testing. Allele origin: germline.
Comment: Variant summary: VCL c.625A>T (p.Met209Leu) results in a conservative amino acid change in the encoded protein sequence. Four of five in-silico tools predict a benign effect of the variant on protein function. The variant allele was found at a frequency of 3.6e-05 in 249842 control chromosomes. The available data on variant occurrences in the general population are insufficient to allow any conclusion about variant significance. c.625A>T has been reported in the literature in individuals affected with Dilated Cardiomyopathy, without strong evidence for causality (Zhao_2015, Shen_2022). These reports do not provide unequivocal conclusions about association of the variant with Cardiomyopathy. At least one publication reports experimental evidence evaluating an impact on protein function in relation to neural tube defects. These results showed no alteration in protein levels compared to wild-type, no effects on both basic and Wnt5A-activated PCP signaling as well as no distinct change in cell migration (Wang_2021). However, the impact of these outcomes on cardiomyopathy is unclear. Three clinical diagnostic laboratories have submitted clinical-significance assessments for this variant to ClinVar after 2014 without evidence for independent evaluation. All laboratories classified the variant as uncertain significance. Based on the evidence outlined above, the variant was classified as uncertain significance.

Phosphorus, Inc.
Classification: Uncertain significance for Dilated cardiomyopathy 1W. Last evaluated: 2017-08-01. Review status: criteria provided, single submitter. Criteria: ACMG Guidelines, 2015. Collection method: clinical testing. Allele origin: germline. Observed: 1 variant allele.

Phosphorus, Inc.
Classification: Uncertain significance for Hypertrophic cardiomyopathy 15. Last evaluated: 2017-08-01. Review status: criteria provided, single submitter. Criteria: ACMG Guidelines, 2015. Collection method: clinical testing. Allele origin: germline. Observed: 1 variant allele.

CHEO Genetics Diagnostic Laboratory, Children's Hospital of Eastern Ontario
Classification: Uncertain significance for Cardiomyopathy. Last evaluated: 2015-11-06. Review status: criteria provided, single submitter. Criteria: ACMG Guidelines, 2015. Collection method: clinical testing. Allele origin: germline. Study: Canadian Open Genetics Repository.

Literature cited by the submitters: PubMed 26458567 (cited by 3 submitters); PubMed 35284542 (cited by Labcorp Genetics (formerly Invitae), Labcorp and Women's Health and Genetics/Laboratory Corporation of America, LabCorp); PubMed 33491343 (cited by Women's Health and Genetics/Laboratory Corporation of America, LabCorp).

NM_014000.3(VCL):c.625A>T (p.Met209Leu)

Gene: VCL (vinculin; plus strand). Cytogenetic location: 10q22.2.
Variant type: single nucleotide variant.
Coding change: c.625A>T on transcript NM_014000.3 (MANE Select); coding-DNA position 625, A replaced by T.
Protein change: p.Met209Leu; replaces methionine 209 with leucine.
Molecular consequence: missense variant.
Genome position (GRCh38, 1-based): chr10:74,074,745, A>T. VCF-style: chr10-74074745-A-T. GRCh37 (hg19) VCF-style: chr10-75834503-A-T.
Other names: c.625A>T, p.Met209Leu (NM_003373.4); short protein forms M209L.
Identifiers: ClinVar variation 488174 (VCV000488174.14), dbSNP rs144683137, ClinGen allele CA5562829.